The following continues an entry in ClinVar:

NM_007294.4(BRCA1):c.4484G>T (p.Arg1495Met)

Gene: BRCA1. ClinVar aggregate classification (germline): Pathogenic. Pathogenic (26).

Submissions 19 to 32 of 32:

Genetics Program, Instituto Nacional de Cancer
Classification: Pathogenic for Hereditary breast ovarian cancer syndrome. Last evaluated: 2021-11-01. Review status: criteria provided, single submitter. Criteria: ACMG Guidelines, 2015. Collection method: research. Allele origin: germline. Affected: yes.

Sema4
Classification: Pathogenic for Hereditary cancer-predisposing syndrome. Last evaluated: 2021-11-01. Review status: criteria provided, single submitter. Criteria: Sema4 Curation Guidelines. Collection method: curation. Allele origin: germline.
Comment: The BRCA1 c.4484G>T (p.R1495M) variant has been reported in heterozygosity in numerous individuals with hereditary breast and/or ovarian cancer (PMID: 23096355, 18092194, 28423363, 24607278, 21120943, among others). This change occurs in the last base pair of exon 13. Experimental studies have shown that this variant results in aberrant splicing, leading to out-of-frame deletion of exon 13 (PMID: 23451180, 12915465, 24607278, 21120943). It is also known as c.4603G>T in the literature. This variant was observed in 1/113592 chromosomes in the Non-Finnish European subpopulation in the large and broad cohorts of the Genome Aggregation Database (PMID: 32461654). This variant has been reported in ClinVar (Variation ID: 37598). Based on the current evidence available, this variant is interpreted as pathogenic.

Mendelics
Classification: Pathogenic for Breast-ovarian cancer, familial, susceptibility to, 1. Last evaluated: 2019-05-28. Review status: criteria provided, single submitter. Criteria: Mendelics Assertion Criteria 2017. Collection method: clinical testing. Allele origin: unknown.

Baylor Genetics
Classification: Pathogenic for Familial cancer of breast. Last evaluated: 2017-02-23. Review status: criteria provided, single submitter. Criteria: ACMG Guidelines, 2015. Collection method: clinical testing. Allele origin: germline. Inheritance: Autosomal dominant inheritance. Affected: yes. Observed: 1 variant allele.

Women's Health and Genetics/Laboratory Corporation of America, LabCorp
Classification: Pathogenic for Hereditary breast ovarian cancer syndrome. Last evaluated: 2016-07-31. Review status: criteria provided, single submitter. Criteria: LabCorp Variant Classification Summary - May 2015. Collection method: clinical testing. Allele origin: germline.
Comment: Variant summary: The BRCA1 c.4484G>T (p.Arg1495Met) variant causes a missense change involving a conserved nucleotide, located at the most 3' position, i.e., the last nucleotide of exon 13. It is predicted to disrupt the natural splice donor site and cause abnormal splicing. 5/5 splicing prediction tools, predict alterations to splicing, consistent with the observed functional studies that implicate an affect on splicing. The variant of interest was observed in a large, broad control population, ExAC, with an allele frequency of 1/121358, which does not exceed the estimated maximal expected allele frequency for a pathogenic BRCA1 variant of 1/1000. The variant of interest has been reported in multiple affected individuals via publications, along with multiple reputable databases/clinical laboratories citing the variant as "pathogenic." Therefore, taking all available lines of evidence into consideration, the variant of interest has been classified as Pathogenic.

GeneKor MSA
Classification: Pathogenic. Last evaluated: 2016-07-01. Review status: criteria provided, single submitter. Criteria: ACMG Guidelines, 2015. Collection method: clinical testing. Allele origin: germline.

Consortium of Investigators of Modifiers of BRCA1/2 (CIMBA), c/o University of Cambridge
Classification: Pathogenic for Breast-ovarian cancer, familial, susceptibility to, 1. Last evaluated: 2015-10-02. Review status: criteria provided, single submitter. Criteria: CIMBA Mutation Classification guidelines May 2016. Collection method: clinical testing. Allele origin: germline.

Pathway Genomics
Classification: Pathogenic for Breast-ovarian cancer, familial 1. Last evaluated: 2014-10-30. Review status: criteria provided, single submitter. Criteria: ACMG Guidelines, 2015. Collection method: clinical testing. Allele origin: germline. Affected: yes.

BRCAlab, Lund University
Classification: Pathogenic for Breast-ovarian cancer, familial, susceptibility to, 1. Last evaluated: 2022-08-26. Review status: no assertion criteria provided. Collection method: clinical testing. Allele origin: germline. Affected: yes. Not counted in ClinVar's aggregate classification.

King Laboratory, University of Washington
Classification: Pathogenic for Hereditary breast and ovarian cancer syndrome; Breast-ovarian cancer, familial 1. Last evaluated: 2019-09-01. Review status: no assertion criteria provided. Collection method: research. Allele origin: germline. Affected: yes. Not counted in ClinVar's aggregate classification.
Comment: Transcript analysis by cBROCA

Research Molecular Genetics Laboratory, Women's College Hospital, University of Toronto
Classification: Pathogenic for Hereditary breast ovarian cancer syndrome. Last evaluated: 2014-01-31. Review status: no assertion criteria provided. Collection method: research. Allele origin: germline. Affected: yes. Study: The Canadian Open Genetics Repository (COGR). Not counted in ClinVar's aggregate classification.

Sharing Clinical Reports Project (SCRP)
Classification: Pathogenic for Breast-ovarian cancer, familial 1. Last evaluated: 2012-05-01. Review status: no assertion criteria provided. Collection method: clinical testing. Allele origin: germline. Not counted in ClinVar's aggregate classification.

Breast Cancer Information Core (BIC) (BRCA1)
Classification: Pathogenic for Breast-ovarian cancer, familial 1. Last evaluated: 2002-05-29. Review status: no assertion criteria provided. Collection method: clinical testing. Allele origin: germline. Affected: yes. Observed: 27 variant alleles. Not counted in ClinVar's aggregate classification.

Department of Pathology and Laboratory Medicine, Sinai Health System
Classification: Pathogenic. Review status: no assertion criteria provided. Collection method: clinical testing. Allele origin: unknown. Affected: yes. Study: The Canadian Open Genetics Repository (COGR). Not counted in ClinVar's aggregate classification.
Comment: The BRCA1 p.Arg1495Met variant was identified in 7 of 8214 proband chromosomes (frequency: 0.0009) from individuals or families with breast and/or ovarian cancer or fallopian tube cancer (Zhang 2011, Shattuck-Eidens 1997, Nedelcu 2002, Aziz 2001, John 2007, Pilato 2010). The variant was also identified in the following databases: dbSNP (ID: rs80357389) as â€šÃ„ÃºWith Pathogenic alleleâ€šÃ„Ã¹, ClinVar and Clinvitae (12x - classified as pathogenic by Ambry Genetics, GeneDx, Pathway Genomics, Quest Diagnostics, GeneKor, Univ. of Cambridge, Color Genomics, Baylor Miraca Genetics, Invitae, BIC, SCRP, COGR), COGR (2x - classified as pathogenic by Sinai Health System and COGR consensus), LOVD 3.0 (3x classified as affects function), UMD-LSDB (12x classified as causal), BIC Database (27 submissions, classification pending), and the ARUP Laboratories (classified as definitely pathogenic). The variant was not identified in COSMIC, MutDB, or Zhejiang Colon Cancer databases. The variant was identified in control databases in 1 of 245958 chromosomes at a frequency of 0.000004 (one individual of European non-Finnish ethnicity; freq. 0.000009) (Genome Aggregation Consortium Feb 27, 2017). This variant was observed by RT-PCR to result increased levels of alternative transcripts demonstrating both an out-of-frame deletion of exon 14 as well as an in-frame deletion of exons 14 and 15 (Santos 2014). Together with co-segregation data the authors conclude that this variant is considered pathogenic. A humanized mouse model system demonstrated that this variant causes aberrant splicing resulting in the deletion of exon 14 due to possible disruption of cis-acting splicing regulatory elements (Yang 2003). The p.Arg1495Met residue is not conserved in mammals and computational analyses (PolyPhen-2, SIFT, AlignGVGD, BLOSUM, MutationTaster) do not suggest a high likelihood of impact to the protein; however, this information is not predictive enough to rule out pathogenicity. The p.Arg1495Met variant occurs in the last base of the exon. This position has been shown to be part of the splicing consensus sequence and variants involving this position sometimes affect splicing. In addition, 5 of 5 in silico or computational prediction software programs (SpliceSiteFinder, MaxEntScan, NNSPLICE, GeneSplicer, HumanSpliceFinder) predict a greater than 10% difference in splicing. In summary, based on the above information this variant meets our laboratoryâ€šÃ„Ã´s criteria to be classified as pathogenic.

Literature cited by the submitters: PubMed 24607278 (cited by 10 submitters); PubMed 12915465 (cited by 7 submitters); PubMed 22505045 (cited by 8 submitters); PubMed 23893897 (cited by Dasa); PubMed 10571952 (cited by 6 submitters); PubMed 10923033 (cited by Labcorp Genetics (formerly Invitae), Labcorp and Ambry Genetics); PubMed 22144684 (cited by Labcorp Genetics (formerly Invitae), Labcorp and Ambry Genetics); PubMed 23096355 (cited by 6 submitters); PubMed 17576681 (cited by Labcorp Genetics (formerly Invitae), Labcorp); PubMed 9536098 (cited by Labcorp Genetics (formerly Invitae), Labcorp); PubMed 21120943 (cited by 5 submitters); PubMed 11263928 (cited by 4 submitters); PubMed 17924331 (cited by 5 submitters); PubMed 23451180 (cited by 5 submitters); PubMed 28423363 (cited by 5 submitters); PubMed 28888541 (cited by Mayo Clinic Laboratories, Mayo Clinic); PubMed 29446198 (cited by Mayo Clinic Laboratories, Mayo Clinic and Ambry Genetics); PubMed 30606148 (cited by Mayo Clinic Laboratories, Mayo Clinic and Ambry Genetics); PubMed 32427313 (cited by Mayo Clinic Laboratories, Mayo Clinic); PubMed 32438681 (cited by Mayo Clinic Laboratories, Mayo Clinic and Quest Diagnostics Nichols Institute San Juan Capistrano); PubMed 32885271 (cited by 3 submitters); PubMed 35264596 (cited by Mayo Clinic Laboratories, Mayo Clinic and Quest Diagnostics Nichols Institute San Juan Capistrano); PubMed 36881271 (cited by Mayo Clinic Laboratories, Mayo Clinic); PubMed 21447777 (cited by Ambry Genetics); PubMed 22476429 (cited by 4 submitters); PubMed 23374397 (cited by 4 submitters); PubMed 25896959 (cited by Ambry Genetics); PubMed 26183948 (cited by Ambry Genetics); PubMed 27914478 (cited by 4 submitters); PubMed 28781887 (cited by Ambry Genetics); PubMed 29907814 (cited by Ambry Genetics and Quest Diagnostics Nichols Institute San Juan Capistrano); PubMed 30128899 (cited by Ambry Genetics); PubMed 30159786 (cited by Ambry Genetics); PubMed 33484353 (cited by Ambry Genetics and Quest Diagnostics Nichols Institute San Juan Capistrano); PubMed 33888336 (cited by Ambry Genetics); PubMed 18092194 (cited by 3 submitters); PubMed 18159056 (cited by Color Diagnostics, LLC DBA Color Health and All of Us Research Program, National Institutes of Health); PubMed 18694767 (cited by 3 submitters); PubMed 21324516 (cited by Color Diagnostics, LLC DBA Color Health and All of Us Research Program, National Institutes of Health); PubMed 31843900 (cited by 3 submitters); PubMed 21990134 (cited by 3 submitters); PubMed 26287763 (cited by Quest Diagnostics Nichols Institute San Juan Capistrano); PubMed 31013702 (cited by Quest Diagnostics Nichols Institute San Juan Capistrano); PubMed 37149903 (cited by Quest Diagnostics Nichols Institute San Juan Capistrano); PubMed 36329109 (cited by Quest Diagnostics Nichols Institute San Juan Capistrano and Genetics Program, Instituto Nacional de Cancer); PubMed 26295337 (cited by Quest Diagnostics Nichols Institute San Juan Capistrano).